The following is an entry in ClinVar:

NM_002609.4(PDGFRB):c.451G>A (p.Val151Ile)

Gene: PDGFRB (platelet derived growth factor receptor beta; minus strand). Cytogenetic location: 5q32.
Variant type: single nucleotide variant.
Coding change: c.451G>A on transcript NM_002609.4 (MANE Select); coding-DNA position 451, G replaced by A.
Protein change: p.Val151Ile; replaces valine 151 with isoleucine.
Molecular consequence: missense variant. On other transcripts: 5 prime UTR variant (1).
Genome position (GRCh38, 1-based): chr5:150,134,930, C>T on the plus strand (G>A on the coding strand, the complement: PDGFRB is on the minus strand). VCF-style: chr5-150134930-C-T. GRCh37 (hg19) VCF-style: chr5-149514493-C-T.
Other names: c.259G>A, p.Val87Ile (NM_001355016.2); c.-67G>A (NM_001355017.2); short protein forms V151I, V87I.
Identifiers: ClinVar variation 4783281 (VCV004783281.1).

ClinVar aggregate classification (germline): Uncertain significance (1 of 4 stars; one submission).

Conditions:
Skeletal overgrowth-craniofacial dysmorphism-hyperelastic skin-white matter lesions syndrome. Also called: SKELETAL OVERGROWTH WITH FACIAL DYSMORPHISM, HYPERELASTIC SKIN, WHITE MATTER LESIONS, AND NEUROLOGIC DETERIORATION; Kosaki overgrowth syndrome. Identifiers: Orphanet 477831, MedGen C4225270, MONDO:0014704, OMIM 616592.
Acroosteolysis-keloid-like lesions-premature aging syndrome. Also called: Premature aging syndrome, Penttinen type; Prematurely aged appearance, delayed bone maturation, acro-osteolysis, and brachydactyly; Progeroid syndrome, Penttinen type. Identifiers: Orphanet 363665, MedGen C1866182, MONDO:0011150, OMIM 601812.
Infantile myofibromatosis (IMF). Also called: Congenital generalized fibromatosis. Identifiers: Orphanet 2591, MedGen C0432284, MONDO:0016824.
Basal ganglia calcification, idiopathic, 4 (PFBC4). Also called: Familial Idiopathic Basal Ganglia Calcification 4; PRIMARY FAMILIAL BRAIN CALCIFICATION 4, AUTOSOMAL DOMINANT. Identifiers: Orphanet 1980, MedGen C3554321, MONDO:0014004, OMIM 615007.

gnomAD v4.1: 1 of 1,613,912 alleles (0.000062%); highest among the groups gnomAD compares: South Asian, 0.0011%; no homozygotes.

Submission:

Labcorp Genetics (formerly Invitae), Labcorp
Classification: Uncertain significance for Basal ganglia calcification, idiopathic, 4; Skeletal overgrowth-craniofacial dysmorphism-hyperelastic skin-white matter lesions syndrome; Infantile myofibromatosis; Acroosteolysis-keloid-like lesions-premature aging syndrome. Last evaluated: 2025-08-27. Review status: criteria provided, single submitter. Criteria: Invitae Variant Classification Sherloc (09022015). Collection method: clinical testing. Allele origin: germline.
Comment: This sequence change replaces valine, which is neutral and non-polar, with isoleucine, which is neutral and non-polar, at codon 151 of the PDGFRB protein (p.Val151Ile). This variant is present in population databases (rs775542260, gnomAD 0.003%). This variant has not been reported in the literature in individuals affected with PDGFRB-related conditions. Invitae Evidence Modeling of protein sequence and biophysical properties (such as structural, functional, and spatial information, amino acid conservation, physicochemical variation, residue mobility, and thermodynamic stability) indicates that this missense variant is not expected to disrupt PDGFRB protein function with a negative predictive value of 80%. In summary, the available evidence is currently insufficient to determine the role of this variant in disease. Therefore, it has been classified as a Variant of Uncertain Significance.